The following is an entry in ClinVar:

ClinVar aggregate classification (germline): Uncertain significance. Review status: criteria provided, multiple submitters, no conflicts (2 of 4 stars). 3 submissions from 3 submitters: Uncertain significance (3). Last evaluated 2024-09-27.

Conditions:
Inborn genetic diseases. Identifiers: MedGen C0950123, MeSH D030342.

Allele frequency attached by ClinVar (database versions not stated): gnomAD exomes 0.00001 and 0.00031; gnomAD 0.00003 and 0.00005; TOPMed 0.00006.
gnomAD v4.1: 8 of 1,085,134 alleles (0.00074%); highest among the groups gnomAD compares: Admixed American, 0.037%; no homozygotes.

Submissions (3):

GeneDx
Classification: Uncertain significance. Last evaluated: 2024-09-27. Review status: criteria provided, single submitter. Criteria: GeneDx Variant Classification Process June 2021. Collection method: clinical testing. Allele origin: germline. Affected: yes.
Comment: In silico analysis indicates that this missense variant does not alter protein structure/function; Has not been previously published as pathogenic or benign to our knowledge

Ambry Genetics
Classification: Uncertain significance for Inborn genetic diseases. Last evaluated: 2023-11-15. Review status: criteria provided, single submitter. Criteria: Ambry Variant Classification Scheme 2023. Collection method: clinical testing. Allele origin: germline.

Labcorp Genetics (formerly Invitae), Labcorp
Classification: Uncertain significance. Last evaluated: 2023-08-04. Review status: criteria provided, single submitter. Criteria: Invitae Variant Classification Sherloc (09022015). Collection method: clinical testing. Allele origin: germline.
Comment: This sequence change replaces proline, which is neutral and non-polar, with leucine, which is neutral and non-polar, at codon 110 of the TPRN protein (p.Pro110Leu). The frequency data for this variant in the population databases is considered unreliable, as metrics indicate poor data quality at this position in the gnomAD database. This variant has not been reported in the literature in individuals affected with TPRN-related conditions. ClinVar contains an entry for this variant (Variation ID: 1327307). An algorithm developed to predict the effect of missense changes on protein structure and function (PolyPhen-2) suggests that this variant¬†is likely to be tolerated. In summary, the available evidence is currently insufficient to determine the role of this variant in disease. Therefore, it has been classified as a Variant of Uncertain Significance.

NM_001128228.3(TPRN):c.329C>T (p.Pro110Leu)

Genes: TPRN (taperin; minus strand), LOC130003092 (ATAC-STARR-seq lymphoblastoid silent region 20589; plus strand). Cytogenetic location: 9q34.3.
Variant type: single nucleotide variant.
Coding change: c.329C>T on transcript NM_001128228.3 (MANE Select); coding-DNA position 329, C replaced by T.
Protein change: p.Pro110Leu; replaces proline 110 with leucine.
Molecular consequence: missense variant.
Genome position (GRCh38, 1-based): chr9:137,200,383, G>A on the plus strand (C>T on the coding strand, the complement: TPRN is on the minus strand). VCF-style: chr9-137200383-G-A. GRCh37 (hg19) VCF-style: chr9-140094835-G-A.
Other names: short protein forms P110L.
Identifiers: ClinVar variation 1327307 (VCV001327307.7), dbSNP rs1357037825, ClinGen allele CA375783530.
Genomic context (GRCh38, chr9:137,200,383, plus strand): 5'-GGCGGCGCCCCGTACACCAGCACCTCGGCGGCGCGGATCTGCGCGGCCCCCGGGGCGGGC[G>A]GCGCGGGCGGGAAGCCGGGCACCGTCTCGATGATGAGGACGCTGTCGGCGCGGAGGGCGC-3'
Protein context (NP_001121700.2, residues 100-120): IETVPGFPPA[Pro110Leu]PAPGAAQIRA